The following is an entry in ClinVar:

NM_001127644.2(GABRA1):c.559+80G>A

Gene: GABRA1 (gamma-aminobutyric acid type A receptor subunit alpha1; plus strand). Cytogenetic location: 5q34.
Variant type: single nucleotide variant.
Coding change: c.559+80G>A on transcript NM_001127644.2 (MANE Select); 80 bases into the intron after coding-DNA position 559, G replaced by A.
Molecular consequence: intron variant.
Genome position (GRCh38, 1-based): chr5:161,875,722, G>A. VCF-style: chr5-161875722-G-A. GRCh37 (hg19) VCF-style: chr5-161302728-G-A.
Other names: c.559+80G>A (NM_000806.5, NM_001127643.2, NM_001127645.2 and 1 more transcripts).
Identifiers: ClinVar variation 670653 (VCV000670653.3), dbSNP rs4260711, ClinGen allele CA12014898.

ClinVar aggregate classification (germline): Benign. Review status: criteria provided, multiple submitters, no conflicts (2 of 4 stars). 2 submissions from 2 submitters: Benign (2). Last evaluated 2024-07-15.

Allele frequency attached by ClinVar (database versions not stated): gnomAD 0.44549 and 0.44958; TOPMed 0.44898; 1000 Genomes Project 30x 0.49094; 1000 Genomes Project 0.49561.
gnomAD v4.1: 441,138 of 1,019,762 alleles (43%); highest among the groups gnomAD compares: East Asian, 62%; 99,727 homozygotes.

Submissions (2):

Unidad de Genómica Garrahan, Hospital de Pediatría Garrahan
Classification: Benign. Last evaluated: 2024-07-15. Review status: criteria provided, single submitter. Criteria: ACMG Guidelines, 2015. Collection method: clinical testing. Allele origin: germline. Affected: no. Observed: 58 variant alleles.
Comment: This variant is classified as Benign based on local population frequency. This variant was detected in 62% of patients studied in a panel designed for Epileptic and Developmental Encephalopathy and Progressive Myoclonus Epilepsy. Number of patients: 58. Only high quality variants are reported.

GeneDx
Classification: Benign. Last evaluated: 2018-06-14. Review status: criteria provided, single submitter. Criteria: GeneDx Variant Classification (06012015). Collection method: clinical testing. Allele origin: germline. Affected: yes.
Comment: This variant is considered likely benign or benign based on one or more of the following criteria: it is a conservative change, it occurs at a poorly conserved position in the protein, it is predicted to be benign by multiple in silico algorithms, and/or has population frequency not consistent with disease.